The following is an entry in ClinVar:

ClinVar aggregate classification (germline): Uncertain significance (1 of 4 stars; one submission).

Submission:

Labcorp Genetics (formerly Invitae), Labcorp
Classification: Uncertain significance. Last evaluated: 2021-08-31. Review status: criteria provided, single submitter. Criteria: Invitae Variant Classification Sherloc (09022015). Collection method: clinical testing. Allele origin: germline.
Comment: In summary, the available evidence is currently insufficient to determine the role of this variant in disease. Therefore, it has been classified as a Variant of Uncertain Significance. Algorithms developed to predict the effect of missense changes on protein structure and function are either unavailable or do not agree on the potential impact of this missense change (SIFT: "Not Available"; PolyPhen-2: "Probably Damaging"; Align-GVGD: "Not Available"). This variant has not been reported in the literature in individuals affected with ADAMTS18-related conditions. This variant is not present in population databases (ExAC no frequency). This sequence change replaces glycine with arginine at codon 439 of the ADAMTS18 protein (p.Gly439Arg). The glycine residue is highly conserved and there is a moderate physicochemical difference between glycine and arginine.

NM_199355.4(ADAMTS18):c.1315G>A (p.Gly439Arg)

Gene: ADAMTS18 (ADAM metallopeptidase with thrombospondin type 1 motif 18; minus strand). Cytogenetic location: 16q23.1.
Variant type: single nucleotide variant.
Coding change: c.1315G>A on transcript NM_199355.4 (MANE Select); coding-DNA position 1315, G replaced by A.
Protein change: p.Gly439Arg; replaces glycine 439 with arginine.
Molecular consequence: missense variant.
Genome position (GRCh38, 1-based): chr16:77,359,325, C>T on the plus strand (G>A on the coding strand, the complement: ADAMTS18 is on the minus strand). VCF-style: chr16-77359325-C-T. GRCh37 (hg19) VCF-style: chr16-77393222-C-T.
Other names: c.799G>A, p.Gly267Arg (NM_001326358.2); short protein forms G439R, G267R.
Identifiers: ClinVar variation 1476778 (VCV001476778.6), dbSNP rs2144726083, ClinGen allele CA396835022.